The following is an entry in ClinVar:

ClinVar aggregate classification (germline): Uncertain significance (1 of 4 stars; one submission).

Submission:

Labcorp Genetics (formerly Invitae), Labcorp
Classification: Uncertain significance. Last evaluated: 2022-08-12. Review status: criteria provided, single submitter. Criteria: Invitae Variant Classification Sherloc (09022015). Collection method: clinical testing. Allele origin: germline.
Comment: A copy number gain of the genomic region encompassing the full coding sequence of the CCND2 gene has been identified. The boundaries of this event are unknown as they extend beyond the assayed region for this gene and therefore may encompass additional genes. As the precise location of this event is unknown, it may be in tandem or it may be located elsewhere in the genome. This variant has not been reported in the literature in individuals affected with CCND2-related conditions. In summary, the available evidence is currently insufficient to determine the role of this variant in disease. Therefore, it has been classified as a Variant of Uncertain Significance.

NC_000012.11:g.(?_4383207)_(4409175_?)dup

Gene: CCND2 (cyclin D2; plus strand). Cytogenetic location: 12p13.32.
Variant type: Duplication.
Identifiers: ClinVar variation 2424233 (VCV002424233.3).